The following is an entry in ClinVar:

NM_032119.4(ADGRV1):c.-98G>A

Gene: ADGRV1 (adhesion G protein-coupled receptor V1; plus strand). Cytogenetic location: 5q14.3.
Variant type: single nucleotide variant.
Coding change: c.-98G>A on transcript NM_032119.4 (MANE Select); 98 bases upstream of the start codon, G replaced by A.
Molecular consequence: 5 prime UTR variant.
Genome position (GRCh38, 1-based): chr5:90,558,798, G>A. VCF-style: chr5-90558798-G-A. GRCh37 (hg19) VCF-style: chr5-89854615-G-A.
Identifiers: ClinVar variation 598152 (VCV000598152.10), dbSNP rs7706355, ClinGen allele CA3338322.

ClinVar aggregate classification (germline): Benign. Review status: criteria provided, multiple submitters, no conflicts (2 of 4 stars). 3 submissions from 3 submitters: Benign (3). Last evaluated 2018-08-07.

Conditions:
Usher syndrome type 2C. Also called: Usher syndrome, type 2B; USHER SYNDROME, TYPE IIC. Identifiers: Orphanet 231178, Orphanet 886, MedGen C2931213, MONDO:0011558, OMIM 605472.

Allele frequency attached by ClinVar (database versions not stated): gnomAD exomes 0.00179 and 0.00363; ExAC 0.00572; gnomAD 0.01569 and 0.01695; 1000 Genomes Project 0.01577; 1000 Genomes Project 30x 0.01655; TOPMed 0.01853.
gnomAD v4.1: 4,325 of 1,176,440 alleles (0.37%); highest among the groups gnomAD compares: African/African-American, 5.5%; 103 homozygotes.

Submissions (3):

GeneDx
Classification: Benign. Last evaluated: 2018-08-07. Review status: criteria provided, single submitter. Criteria: GeneDx Variant Classification Process June 2021. Collection method: clinical testing. Allele origin: germline. Affected: yes.

Eurofins Ntd Llc (ga)
Classification: Benign. Last evaluated: 2018-07-31. Review status: criteria provided, single submitter. Criteria: EGL ClinVar v180209 classification definitions. Collection method: clinical testing. Allele origin: germline. Observed: 1 variant allele, 1 heterozygote.

Illumina Laboratory Services, Illumina
Classification: Benign for Usher syndrome type 2C. Last evaluated: 2018-01-12. Review status: criteria provided, single submitter. Criteria: ICSL Variant Classification Criteria 13 December 2019. Collection method: clinical testing. Allele origin: germline.
Comment: This variant was observed in the ICSL laboratory as part of a predisposition screen in an ostensibly healthy population. It had not been previously curated by ICSL or reported in the Human Gene Mutation Database (HGMD: prior to June 1st, 2018), and was therefore a candidate for classification through an automated scoring system. Utilizing variant allele frequency, disease prevalence and penetrance estimates, and inheritance mode, an automated score was calculated to assess if this variant is too frequent to cause the disease. Based on the score and internal cut-off values, a variant classified as benign is not then subjected to further curation. The score for this variant resulted in a classification of benign for this disease.